The following is an entry in ClinVar:

NM_001256007.3(PNPLA8):c.854A>G (p.Gln285Arg)

Gene: PNPLA8 (patatin like domain 8, phospholipase A2; minus strand). Cytogenetic location: 7q31.1.
Variant type: single nucleotide variant.
Coding change: c.854A>G on transcript NM_001256007.3 (MANE Select); coding-DNA position 854, A replaced by G.
Protein change: p.Gln285Arg; replaces glutamine 285 with arginine.
Molecular consequence: missense variant.
Genome position (GRCh38, 1-based): chr7:108,514,638, T>C on the plus strand (A>G on the coding strand, the complement: PNPLA8 is on the minus strand). VCF-style: chr7-108514638-T-C. GRCh37 (hg19) VCF-style: chr7-108155082-T-C.
Other names: c.854A>G, p.Gln285Arg (NM_001256008.3, NM_001256009.3, NM_015723.5); c.554A>G, p.Gln185Arg (NM_001256010.3, NM_001256011.3); short protein forms Q185R, Q285R.
Identifiers: ClinVar variation 4769341 (VCV004769341.1).
Genomic context (GRCh38, chr7:108,514,638, plus strand): 5'-TAACCACCTACTAAAGCTTGTACACCTTCCGTGGGACGAGAAAGAAAGTTAGCAATACTT[T>C]GTTTAGTTGAAACTTGAAGAACATCAGGTATCGCAGAAGGACTTGTAGGCTTGTCCACCG-3'
Protein context (NP_001242936.1, residues 275-295): IPDVLQVSTK[Gln285Arg]SIANFLSRPT

ClinVar aggregate classification (germline): Uncertain significance (1 of 4 stars; one submission).

gnomAD v4.1: 2 of 1,613,916 alleles (0.00012%); highest among the groups gnomAD compares: Non-Finnish European, 0.000085%; no homozygotes.

Submission:

Labcorp Genetics (formerly Invitae), Labcorp
Classification: Uncertain significance. Last evaluated: 2025-05-01. Review status: criteria provided, single submitter. Criteria: Invitae Variant Classification Sherloc (09022015). Collection method: clinical testing. Allele origin: germline.
Comment: This sequence change replaces glutamine, which is neutral and polar, with arginine, which is basic and polar, at codon 285 of the PNPLA8 protein (p.Gln285Arg). This variant is not present in population databases (gnomAD no frequency). This variant has not been reported in the literature in individuals affected with PNPLA8-related conditions. An algorithm developed to predict the effect of missense changes on protein structure and function (PolyPhen-2) suggests that this variant is likely to be tolerated. In summary, the available evidence is currently insufficient to determine the role of this variant in disease. Therefore, it has been classified as a Variant of Uncertain Significance.